The following is an entry in ClinVar:

NM_001013838.3(CARMIL2):c.2310C>G (p.Leu770=)

Gene: CARMIL2 (capping protein regulator and myosin 1 linker 2; plus strand). Cytogenetic location: 16q22.1.
Variant type: single nucleotide variant.
Coding change: c.2310C>G on transcript NM_001013838.3 (MANE Select); coding-DNA position 2310, C replaced by G.
Protein change: p.Leu770=; no amino-acid change (leucine 770 retained).
Molecular consequence: synonymous variant.
Genome position (GRCh38, 1-based): chr16:67,651,312, C>G. VCF-style: chr16-67651312-C-G. GRCh37 (hg19) VCF-style: chr16-67685215-C-G.
Other names: c.2202C>G, p.Leu734= (NM_001317026.3).
Identifiers: ClinVar variation 2892218 (VCV002892218.5), dbSNP rs761383744, ClinGen allele CA8113742.

ClinVar aggregate classification (germline): Likely benign. Review status: criteria provided, multiple submitters, no conflicts (2 of 4 stars). 2 submissions from 2 submitters: Likely benign (2). Last evaluated 2026-06-01.

Allele frequency attached by ClinVar (database versions not stated): TOPMed 0.00002; ExAC 0.00003; gnomAD exomes 0.00003; gnomAD 0.00005.
gnomAD v4.1: 58 of 1,613,340 alleles (0.0036%); highest among the groups gnomAD compares: Non-Finnish European, 0.0041%; no homozygotes.

Submissions (2):

CeGaT Center for Human Genetics Tuebingen
Classification: Likely benign. Last evaluated: 2026-06-01. Review status: criteria provided, single submitter. Criteria: CeGaT Center For Human Genetics Tuebingen Variant Classification Criteria Version 2. Collection method: clinical testing. Allele origin: germline. Affected: yes. Observed: 1 variant allele.
Comment: CARMIL2: BP4, BP7

Labcorp Genetics (formerly Invitae), Labcorp
Classification: Likely benign. Last evaluated: 2025-07-02. Review status: criteria provided, single submitter. Criteria: Invitae Variant Classification Sherloc (09022015). Collection method: clinical testing. Allele origin: germline.